The following is an entry in ClinVar:

ClinVar aggregate classification (germline): Uncertain significance (1 of 4 stars; one submission).

Allele frequency attached by ClinVar (database versions not stated): gnomAD 0.00001; TOPMed 0.00001.

Submission:

Labcorp Genetics (formerly Invitae), Labcorp
Classification: Uncertain significance. Last evaluated: 2022-07-05. Review status: criteria provided, single submitter. Criteria: Invitae Variant Classification Sherloc (09022015). Collection method: clinical testing. Allele origin: germline.
Comment: This sequence change replaces asparagine, which is neutral and polar, with aspartic acid, which is acidic and polar, at codon 92 of the FDX2 protein (p.Asn92Asp). This variant is not present in population databases (gnomAD no frequency). In summary, the available evidence is currently insufficient to determine the role of this variant in disease. Therefore, it has been classified as a Variant of Uncertain Significance. Algorithms developed to predict the effect of missense changes on protein structure and function output the following: SIFT: "Tolerated"; PolyPhen-2: "Not Available"; Align-GVGD: "Class C0". The aspartic acid amino acid residue is found in multiple mammalian species, which suggests that this missense change does not adversely affect protein function. ClinVar contains an entry for this variant (Variation ID: 1439348). This variant has not been reported in the literature in individuals affected with FDX2-related conditions.

NM_001397406.1(FDX2):c.265A>G (p.Asn89Asp)

Genes: FDX2 (ferredoxin 2; minus strand), FDX2-ZGLP1 (FDX2-ZGLP1 readthrough (NMD candidate); minus strand). Cytogenetic location: 19p13.2.
Variant type: single nucleotide variant.
Coding change: c.265A>G on transcript NM_001397406.1 (MANE Select); coding-DNA position 265, A replaced by G.
Protein change: p.Asn89Asp; replaces asparagine 89 with aspartic acid.
Molecular consequence: missense variant.
Genome position (GRCh38, 1-based): chr19:10,315,428, T>C on the plus strand (A>G on the coding strand, the complement: FDX2 is on the minus strand). VCF-style: chr19-10315428-T-C. GRCh37 (hg19) VCF-style: chr19-10426104-T-C.
Other names: short protein forms N89D.
Identifiers: ClinVar variation 1439348 (VCV001439348.6), dbSNP rs1392998790, ClinGen allele CA403978866.